The following is an entry in ClinVar:

NC_000021.8:g.(?_44479024)_(44485181_?)del

Gene: CBS (cystathionine beta-synthase; minus strand). Cytogenetic location: 21q22.3.
Variant type: Deletion.
Identifiers: ClinVar variation 2422301 (VCV002422301.4).

ClinVar aggregate classification (germline): Pathogenic (1 of 4 stars; one submission).

Conditions:
HYPERHOMOCYSTEINEMIA, THROMBOTIC, CBS-RELATED. Identifiers: MedGen C3150344, OMIM 236200.

Submission:

Labcorp Genetics (formerly Invitae), Labcorp
Classification: Pathogenic for HYPERHOMOCYSTEINEMIA, THROMBOTIC, CBS-RELATED. Last evaluated: 2023-12-10. Review status: criteria provided, single submitter. Criteria: Invitae Variant Classification Sherloc (09022015). Collection method: clinical testing. Allele origin: germline.
Comment: This variant results in the deletion of exons 9-13 and part of exon 14 (c.736+132_1278del) of the CBS gene. It is expected to disrupt RNA splicing. Variants that disrupt the donor or acceptor splice site typically lead to a loss of protein function (PMID: 16199547), and loss-of-function variants in CBS are known to be pathogenic (PMID: 10338090, 12124992). This variant has not been reported in the literature in individuals affected with CBS-related conditions. This variant disrupts a region of the CBS protein in which other variant(s) (p.Arg379Gln) have been determined to be pathogenic (PMID: 12815602, 16429402, 16479318, 21520339). This suggests that this is a clinically significant region of the protein, and that variants that disrupt it are likely to be disease-causing. For these reasons, this variant has been classified as Pathogenic.

Literature cited by the submitters: PubMed 16199547; PubMed 10338090; PubMed 12124992; PubMed 12815602; PubMed 16429402; PubMed 16479318; PubMed 21520339.